The following is an entry in ClinVar:

ClinVar aggregate classification (germline): Uncertain significance (1 of 4 stars; one submission).

Conditions:
Charcot-Marie-Tooth disease type 2. Also called: Charcot-Marie-Tooth type 2. Identifiers: Orphanet 64746, MedGen C0270914, MONDO:0018993.

Allele frequency attached by ClinVar (database versions not stated): TOPMed 0.00001.
gnomAD v4.1: 1 of 1,614,136 alleles (0.000062%); no homozygotes.

Submission:

Labcorp Genetics (formerly Invitae), Labcorp
Classification: Uncertain significance for Charcot-Marie-Tooth disease type 2. Last evaluated: 2021-08-26. Review status: criteria provided, single submitter. Criteria: Invitae Variant Classification Sherloc (09022015). Collection method: clinical testing. Allele origin: germline.
Comment: This sequence change replaces aspartic acid with glycine at codon 475 of the LMNA protein (p.Asp475Gly). The aspartic acid residue is highly conserved and there is a moderate physicochemical difference between aspartic acid and glycine. This variant is not present in population databases (ExAC no frequency). This variant has not been reported in the literature in individuals affected with LMNA-related conditions. Algorithms developed to predict the effect of missense changes on protein structure and function are either unavailable or do not agree on the potential impact of this missense change (SIFT: "Deleterious"; PolyPhen-2: "Benign"; Align-GVGD: "Class C15"). Algorithms developed to predict the effect of sequence changes on RNA splicing suggest that this variant may create or strengthen a splice site. In summary, the available evidence is currently insufficient to determine the role of this variant in disease. Therefore, it has been classified as a Variant of Uncertain Significance.

NM_170707.4(LMNA):c.1424A>G (p.Asp475Gly)

Gene: LMNA (lamin A/C; plus strand). Cytogenetic location: 1q22.
Variant type: single nucleotide variant.
Coding change: c.1424A>G on transcript NM_170707.4 (MANE Select); coding-DNA position 1424, A replaced by G.
Protein change: p.Asp475Gly; replaces aspartic acid 475 with glycine.
Molecular consequence: missense variant.
Genome position (GRCh38, 1-based): chr1:156,136,964, A>G. VCF-style: chr1-156136964-A-G. GRCh37 (hg19) VCF-style: chr1-156106755-A-G.
Other names: c.1088A>G, p.Asp363Gly (NM_001257374.3); c.1181A>G, p.Asp394Gly (NM_001282624.2); c.1424A>G, p.Asp475Gly (NM_001282625.2, NM_001282626.2, NM_005572.4 and 1 more transcripts); short protein forms D363G, D394G, D475G.
Identifiers: ClinVar variation 1522462 (VCV001522462.5), dbSNP rs1651695560, ClinGen allele CA342822584.
Genomic context (GRCh38, chr1:156,136,964, plus strand): 5'-CCCTATCTTCCCGGCAGGACCAGTCCATGGGCAATTGGCAGATCAAGCGCCAGAATGGAG[A>G]TGATCCCTTGCTGACTTACCGGTTCCCACCAAAGTTCACCCTGAAGGCTGGGCAGGTGGT-3'
Protein context (NP_733821.1, residues 465-485): GNWQIKRQNG[Asp475Gly]DPLLTYRFPP